The following is an entry in ClinVar:

ClinVar aggregate classification (germline): Conflicting classifications of pathogenicity. Review status: criteria provided, conflicting classifications (1 of 4 stars). 6 submissions from 6 submitters: Uncertain significance (4); Likely benign (1). 1 of the submissions does not count toward it. Last evaluated 2025-12-08.

Conditions:
EXT2-related disorder. Also called: EXT2-related condition.
Seizures-scoliosis-macrocephaly syndrome. Also called: SEIZURES, SCOLIOSIS, AND MACROCEPHALY/MICROCEPHALY SYNDROME; Seizures, scoliosis, and macrocephaly syndrome. Identifiers: Orphanet 466926, MedGen C4225248, MONDO:0014731, OMIM 616682.
Exostoses, multiple, type 2 (EXT2). Also called: Hereditary Multiple Osteochondromatosis, Type II; EXOSTOSES, MULTIPLE, TYPE II. Identifiers: Orphanet 321, MedGen C1851413, MONDO:0007586, OMIM 133701.
Inborn genetic diseases. Identifiers: MedGen C0950123, MeSH D030342.

Allele frequency attached by ClinVar (database versions not stated): gnomAD exomes below 0.00001 and 0.00001; gnomAD 0.00004 and 0.00006; TOPMed 0.00006.
gnomAD v4.1: 24 of 1,614,126 alleles (0.0015%); highest among the groups gnomAD compares: Middle Eastern, 0.016%; no homozygotes.

Submissions (6):

Labcorp Genetics (formerly Invitae), Labcorp
Classification: Likely benign for Exostoses, multiple, type 2. Last evaluated: 2025-12-08. Review status: criteria provided, single submitter. Criteria: Invitae Variant Classification Sherloc (09022015). Collection method: clinical testing. Allele origin: germline.

Ambry Genetics
Classification: Uncertain significance for Inborn genetic diseases. Last evaluated: 2023-12-08. Review status: criteria provided, single submitter. Criteria: Ambry Variant Classification Scheme 2023. Collection method: clinical testing. Allele origin: germline.

Baylor Genetics
Classification: Uncertain significance for Exostoses, multiple, type 2. Last evaluated: 2023-08-07. Review status: criteria provided, single submitter. Criteria: ACMG Guidelines, 2015. Collection method: clinical testing. Allele origin: unknown.

St. Jude Molecular Pathology, St. Jude Children's Research Hospital
Classification: Uncertain significance for Exostoses, multiple, type 2. Last evaluated: 2023-05-03. Review status: criteria provided, single submitter. Criteria: St. Jude Assertion Criteria 2020. Collection method: clinical testing. Allele origin: germline.
Comment: The EXT2 c.1276C>T (p.Arg426Trp) missense change has a maximum subpopulation frequency of 0.004% in gnomAD v2.1.1. The in silico tool REVEL predicts a deleterious effect on protein function, but to our knowledge this prediction has not been confirmed by functional studies. To our knowledge, this variant has not been reported in individuals with hereditary multiple exostoses.?In summary, the evidence currently available is insufficient to determine the clinical significance of this variant. It has therefore been classified as of uncertain significance.?

New York Genome Center
Classification: Uncertain significance for Seizures-scoliosis-macrocephaly syndrome. Last evaluated: 2020-08-26. Review status: criteria provided, single submitter. Criteria: NYGC Assertion Criteria 2020. Collection method: clinical testing. Allele origin: germline. Observed: 1 heterozygote. Study: CSER-NYCKidSeq.

PreventionGenetics, part of Exact Sciences
Classification: Uncertain significance for EXT2-related condition. Last evaluated: 2023-12-14. Review status: no assertion criteria provided. Collection method: clinical testing. Allele origin: germline. Not counted in ClinVar's aggregate classification.
Comment: The EXT2 c.1177C>T variant is predicted to result in the amino acid substitution p.Arg393Trp. To our knowledge, this variant has not been reported in the literature. This variant is reported in 0.0040% of alleles in individuals of African descent in gnomAD. At this time, the clinical significance of this variant is uncertain due to the absence of conclusive functional and genetic evidence.

NM_207122.2(EXT2):c.1177C>T (p.Arg393Trp)

Gene: EXT2 (exostosin glycosyltransferase 2; plus strand). Cytogenetic location: 11p11.2.
Variant type: single nucleotide variant.
Coding change: c.1177C>T on transcript NM_207122.2 (MANE Select); coding-DNA position 1177, C replaced by T.
Protein change: p.Arg393Trp; replaces arginine 393 with tryptophan.
Molecular consequence: missense variant. On other transcripts: intron variant (1).
Genome position (GRCh38, 1-based): chr11:44,171,614, C>T. VCF-style: chr11-44171614-C-T. GRCh37 (hg19) VCF-style: chr11-44193164-C-T.
Other names: c.1276C>T, p.Arg426Trp (NM_000401.3); c.1177C>T, p.Arg393Trp (NM_001389628.1, NM_001389630.1); c.1267-60C>T (NM_001178083.3); short protein forms R393W, R426W.
Identifiers: ClinVar variation 970087 (VCV000970087.13), dbSNP rs145903120, ClinGen allele CA221488693.